The following is an entry in ClinVar:

ClinVar aggregate classification (germline): Pathogenic. Review status: criteria provided, multiple submitters, no conflicts (2 of 4 stars). 2 submissions from 2 submitters: Pathogenic (2). Last evaluated 2025-03-17.

Conditions:
PKD1-Biallelic Autosomal Recessive Polycystic Kidney Disease.
Polycystic kidney disease, adult type (PKD1). Also called: POLYCYSTIC KIDNEY DISEASE 1 WITH OR WITHOUT POLYCYSTIC LIVER DISEASE; POLYCYSTIC KIDNEY DISEASE, ADULT, TYPE I; Polycystic Kidney Disease 1, Autosomal Dominant; Polycystic kidney disease 1; Polycystic kidney disease 1, severe; Polycystic Kidney, Autosomal Dominant. Identifiers: MedGen C3149841, MONDO:0008263, OMIM 173900.

Submissions (2):

Women's Health and Genetics/Laboratory Corporation of America, LabCorp
Classification: Pathogenic for PKD1-Biallelic Autosomal Recessive Polycystic Kidney Disease. Last evaluated: 2025-03-17. Review status: criteria provided, single submitter. Criteria: LabCorp Variant Classification Summary - May 2015. Collection method: clinical testing. Allele origin: germline.
Comment: Variant summary: PKD1 c.628_631dupTGCA (p.Ser211MetfsX51) results in a premature termination codon, predicted to cause a truncation of the encoded protein or absence of the protein due to nonsense mediated decay, which are commonly known mechanisms for disease. The variant was absent in 133334 control chromosomes. c.628_631dupTGCA has been reported in the literature in multiple individuals affected with autosomal dominant Polycystic Kidney Disease 1 (e.g. Rosetti_2007). These data indicate that the variant is likely to be associated with disease. To our knowledge, no experimental evidence demonstrating an impact on protein function has been reported. The following publication has been ascertained in the context of this evaluation (PMID: 17582161). ClinVar contains an entry for this variant (Variation ID: 1179078). Based on the evidence outlined above, this variant was classified as pathogenic for autosomal dominant Polycystic Kidney Disease and PKD1-Biallelic Autosomal Recessive Polycystic Kidney Disease.

Fulgent Genetics
Classification: Pathogenic for Polycystic kidney disease, adult type. Last evaluated: 2024-03-19. Review status: criteria provided, single submitter. Criteria: ACMG Guidelines, 2015. Collection method: clinical testing. Allele origin: germline.

Literature cited by the submitters: PubMed 17582161 (cited by Women's Health and Genetics/Laboratory Corporation of America, LabCorp).

NM_001009944.3(PKD1):c.628_631dup (p.Ser211fs)

Gene: PKD1 (polycystin 1, transient receptor potential channel interacting; minus strand). Cytogenetic location: 16p13.3.
Variant type: Duplication.
Coding change: c.628_631dup on transcript NM_001009944.3 (MANE Select); coding-DNA positions 628 to 631, 4 bases duplicated (TGCA; older notation c.628_631dupTGCA).
Protein change: p.Ser211fs; shifts the reading frame from serine 211.
Molecular consequence: frameshift variant.
Genome position (GRCh38, 1-based): chr16:2,118,361-2,118,364, TGCA duplicated on the plus strand (TGCA on the coding strand, the reverse complement: PKD1 is on the minus strand). VCF-style (leftmost placement, unchanged base first): chr16-2118360-C-CTGCA. GRCh37 (hg19) VCF-style: chr16-2168361-C-CTGCA.
Other names: c.628_631dup, p.Ser211fs (NM_000296.4); c.628_631dupTGCA (NM_001009944.3); short protein forms S211fs.
Identifiers: ClinVar variation 1179078 (VCV001179078.5), dbSNP rs2151824295, ClinGen allele CA2499223390.
Genomic context (GRCh38, chr16:2,118,360, plus strand): 5'-AGGCACCAGCCCTGCTCCGAGAGGGCTGCGAGGCCCTGGCCGGTGGAGAAGCAGAAGGCG[C>CTGCA]TGCAGGCCTCTGGCTGAAGCAGGCCTTCGTGGGCAGCTGAAAAGGACACTGCTGCCACGG-3'